The following is an entry in ClinVar:

ClinVar aggregate classification (germline): Uncertain significance. Review status: criteria provided, multiple submitters, no conflicts (2 of 4 stars). 3 submissions from 3 submitters: Uncertain significance (3). Last evaluated 2025-02-03.

Conditions:
Lethal Kniest-like syndrome (DDSH). Also called: Dyssegmental Dysplasia. Identifiers: Orphanet 1865, MedGen C1857100, MONDO:0009140, OMIM 224410.
Schwartz-Jampel syndrome type 1 (SJS1). Also called: MYOTONIC MYOPATHY, DWARFISM, CHONDRODYSTROPHY, AND OCULAR AND FACIAL ABNORMALITIES; CHONDRODYSTROPHIC MYOTONIA. Identifiers: MedGen C4551479, MONDO:0100435, OMIM 255800.
Inborn genetic diseases. Identifiers: MedGen C0950123, MeSH D030342.

Allele frequency attached by ClinVar (database versions not stated): gnomAD exomes 0.00004; TOPMed 0.00006; gnomAD 0.00003.
gnomAD v4.1: 62 of 1,569,710 alleles (0.0039%); highest among the groups gnomAD compares: African/African-American, 0.0067%; no homozygotes.

Submissions (3):

Ambry Genetics
Classification: Uncertain significance for Inborn genetic diseases. Last evaluated: 2025-02-03. Review status: criteria provided, single submitter. Criteria: Ambry Variant Classification Scheme 2023. Collection method: clinical testing. Allele origin: germline.

Athena Diagnostics
Classification: Uncertain significance. Last evaluated: 2018-06-14. Review status: criteria provided, single submitter. Criteria: Athena Diagnostics Criteria. Collection method: clinical testing. Allele origin: germline.

Juno Genomics, Hangzhou Juno Genomics, Inc
Classification: Uncertain significance for Schwartz-Jampel syndrome type 1; Lethal Kniest-like syndrome. Review status: criteria provided, single submitter. Criteria: ACMG Guidelines, 2015. Collection method: clinical testing. Allele origin: germline.
Comment: Absent from controls (or at extremely low frequency if recessive) in Genome Aggregation Database.;Missense variant in a gene that has a low rate of benign missense variation.

NM_005529.7(HSPG2):c.10336G>A (p.Val3446Met)

Gene: HSPG2 (heparan sulfate proteoglycan 2; minus strand). Cytogenetic location: 1p36.12.
Variant type: single nucleotide variant.
Coding change: c.10336G>A on transcript NM_005529.7 (MANE Select); coding-DNA position 10336, G replaced by A.
Protein change: p.Val3446Met; replaces valine 3446 with methionine.
Molecular consequence: missense variant.
Genome position (GRCh38, 1-based): chr1:21,836,821, C>T on the plus strand (G>A on the coding strand, the complement: HSPG2 is on the minus strand). VCF-style: chr1-21836821-C-T. GRCh37 (hg19) VCF-style: chr1-22163314-C-T.
Other names: c.10339G>A, p.Val3447Met (NM_001291860.2); c.10336G>A (NM_005529.5); short protein forms V3446M, V3447M.
Identifiers: ClinVar variation 585972 (VCV000585972.7), dbSNP rs573946760, ClinGen allele CA670169.